The following is an entry in ClinVar:

NM_000256.3(MYBPC3):c.2251G>A (p.Val751Ile)

Gene: MYBPC3 (myosin binding protein C3; minus strand). Cytogenetic location: 11p11.2.
Variant type: single nucleotide variant.
Coding change: c.2251G>A on transcript NM_000256.3 (MANE Select); coding-DNA position 2251, G replaced by A.
Protein change: p.Val751Ile; replaces valine 751 with isoleucine.
Molecular consequence: missense variant.
Genome position (GRCh38, 1-based): chr11:47,338,577, C>T on the plus strand (G>A on the coding strand, the complement: MYBPC3 is on the minus strand). VCF-style: chr11-47338577-C-T. GRCh37 (hg19) VCF-style: chr11-47360128-C-T.
Other names: short protein forms V751I.
Identifiers: ClinVar variation 2159389 (VCV002159389.4), dbSNP rs2495752318, ClinGen allele CA380320254.

ClinVar aggregate classification (germline): Uncertain significance (1 of 4 stars; one submission).

Conditions:
Hypertrophic cardiomyopathy. Also called: HYPERTROPHIC MYOCARDIOPATHY. Identifiers: Orphanet 217569, MedGen C0007194, MeSH D002312, MONDO:0005045, HP:0001639.

Allele frequency attached by ClinVar (database versions not stated): gnomAD exomes below 0.00001.
gnomAD v4.1: 1 of 1,614,024 alleles (0.000062%); highest among the groups gnomAD compares: Non-Finnish European, 0.000085%; no homozygotes.

Submission:

Labcorp Genetics (formerly Invitae), Labcorp
Classification: Uncertain significance for Hypertrophic cardiomyopathy. Last evaluated: 2024-05-21. Review status: criteria provided, single submitter. Criteria: Invitae Variant Classification Sherloc (09022015). Collection method: clinical testing. Allele origin: germline.
Comment: This sequence change replaces valine, which is neutral and non-polar, with isoleucine, which is neutral and non-polar, at codon 751 of the MYBPC3 protein (p.Val751Ile). This variant is not present in population databases (gnomAD no frequency). This variant has not been reported in the literature in individuals affected with MYBPC3-related conditions. ClinVar contains an entry for this variant (Variation ID: 2159389). An algorithm developed to predict the effect of missense changes on protein structure and function (PolyPhen-2) suggests that this variant is likely to be disruptive. In summary, the available evidence is currently insufficient to determine the role of this variant in disease. Therefore, it has been classified as a Variant of Uncertain Significance.